The following is an entry in ClinVar:

NM_018444.4(PDP1):c.1139A>C (p.Glu380Ala)

Gene: PDP1 (pyruvate dehydrogenase phosphatase catalytic subunit 1; plus strand). Cytogenetic location: 8q22.1.
Variant type: single nucleotide variant.
Coding change: c.1139A>C on transcript NM_018444.4 (MANE Select); coding-DNA position 1139, A replaced by C.
Protein change: p.Glu380Ala; replaces glutamic acid 380 with alanine.
Molecular consequence: missense variant.
Genome position (GRCh38, 1-based): chr8:93,923,198, A>C. VCF-style: chr8-93923198-A-C. GRCh37 (hg19) VCF-style: chr8-94935426-A-C.
Other names: c.1214A>C, p.Glu405Ala (NM_001161779.2, NM_001161780.2); c.1139A>C, p.Glu380Ala (NM_001161781.2); short protein forms E380A, E405A.
Identifiers: ClinVar variation 4777322 (VCV004777322.1).

ClinVar aggregate classification (germline): Uncertain significance (1 of 4 stars; one submission).

gnomAD v4.1: 4 of 1,614,136 alleles (0.00025%); highest among the groups gnomAD compares: Non-Finnish European, 0.00034%; no homozygotes.

Submission:

Labcorp Genetics (formerly Invitae), Labcorp
Classification: Uncertain significance. Last evaluated: 2026-01-11. Review status: criteria provided, single submitter. Criteria: Invitae Variant Classification Sherloc (09022015). Collection method: clinical testing. Allele origin: germline.
Comment: This sequence change replaces glutamic acid, which is acidic and polar, with alanine, which is neutral and non-polar, at codon 380 of the PDP1 protein (p.Glu380Ala). This variant is not present in population databases (gnomAD no frequency). This variant has not been reported in the literature in individuals affected with PDP1-related conditions. An algorithm developed to predict the effect of missense changes on protein structure and function (PolyPhen-2) suggests that this variant is likely to be disruptive. In summary, the available evidence is currently insufficient to determine the role of this variant in disease. Therefore, it has been classified as a Variant of Uncertain Significance.